The following is an entry in ClinVar:

NM_025103.4(IFT74):c.1313C>T (p.Thr438Ile)

Gene: IFT74 (intraflagellar transport 74; plus strand). Cytogenetic location: 9p21.2.
Variant type: single nucleotide variant.
Coding change: c.1313C>T on transcript NM_025103.4 (MANE Select); coding-DNA position 1313, C replaced by T.
Protein change: p.Thr438Ile; replaces threonine 438 with isoleucine.
Molecular consequence: missense variant.
Genome position (GRCh38, 1-based): chr9:27,048,254, C>T. VCF-style: chr9-27048254-C-T. GRCh37 (hg19) VCF-style: chr9-27048252-C-T.
Other names: c.1313C>T, p.Thr438Ile (NM_001099222.3, NM_001099223.3, NM_001349928.2); short protein forms T438I.
Identifiers: ClinVar variation 4988620 (VCV004988620.1).

ClinVar aggregate classification (germline): Uncertain significance (1 of 4 stars; one submission).

Conditions:
IFT74-related disorder. Also called: IFT74-Related Disorders; IFT74-related condition.

gnomAD v4.1: 1 of 1,599,412 alleles (0.000063%); highest among the groups gnomAD compares: Admixed American, 0.0017%; no homozygotes.

Submission:

PreventionGenetics, part of Exact Sciences
Classification: Uncertain significance for IFT74-related condition. Last evaluated: 2025-06-15. Review status: criteria provided, single submitter. Criteria: ACMG Guidelines, 2015. Collection method: clinical testing. Allele origin: germline.
Comment: The IFT74 c.1313C>T variant is predicted to result in the amino acid substitution p.Thr438Ile. To our knowledge, this variant has not been reported in the literature or in a large population database (gnomAD), indicating this variant is rare. At this time, the clinical significance of this variant is uncertain due to the absence of conclusive functional and genetic evidence.